The following is an entry in ClinVar:

NC_000022.11:g.19756212A>C

Gene: TBX1 (T-box transcription factor 1; plus strand). Cytogenetic location: 22q11.21.
Variant type: single nucleotide variant.
Genome position: GRCh38 VCF-style: chr22-19756212-A-C. GRCh37 (hg19) VCF-style: chr22-19743735-A-C.
Identifiers: ClinVar variation 4978041 (VCV004978041.1).

ClinVar aggregate classification (germline): Likely benign (1 of 4 stars; one submission).

Conditions:
TBX1-related disorder. Also called: TBX1-Related Disorders; TBX1-related condition.

Submission:

PreventionGenetics, part of Exact Sciences
Classification: Likely benign for TBX1-related condition. Last evaluated: 2025-12-16. Review status: criteria provided, single submitter. Criteria: ACMG Guidelines, 2015. Collection method: clinical testing. Allele origin: germline.
Comment: This variant is classified as likely benign based on ACMG/AMP sequence variant interpretation guidelines (Richards et al. 2015 PMID: 25741868, with internal and published modifications).